The following is an entry in ClinVar:

NM_001283009.2(RTEL1):c.3049G>C (p.Asp1017His)

Genes: RTEL1 (regulator of telomere elongation helicase 1; plus strand), RTEL1-TNFRSF6B (RTEL1-TNFRSF6B readthrough (NMD candidate); plus strand). Cytogenetic location: 20q13.33.
Variant type: single nucleotide variant.
Coding change: c.3049G>C on transcript NM_001283009.2 (MANE Select); coding-DNA position 3049, G replaced by C.
Protein change: p.Asp1017His; replaces aspartic acid 1017 with histidine.
Molecular consequence: missense variant. On other transcripts: non-coding transcript variant (1).
Genome position (GRCh38, 1-based): chr20:63,694,428, G>C. VCF-style: chr20-63694428-G-C. GRCh37 (hg19) VCF-style: chr20-62325781-G-C.
Other names: c.2380G>C, p.Asp794His (NM_001283010.1); c.3049G>C, p.Asp1017His (NM_016434.4); c.3121G>C, p.Asp1041His (NM_032957.5); short protein forms D1041H, D1017H, D794H.
Identifiers: ClinVar variation 1410857 (VCV001410857.4), dbSNP rs61736617, ClinGen allele CA409684509.

ClinVar aggregate classification (germline): Uncertain significance (1 of 4 stars; one submission).

Conditions:
Pulmonary fibrosis and/or bone marrow failure, Telomere-related, 3. Also called: PULMONARY FIBROSIS AND/OR BONE MARROW FAILURE SYNDROME, TELOMERE-RELATED, 3. Identifiers: Orphanet 2032, MedGen C4225346, MONDO:0014613, OMIM 616373.
Dyskeratosis congenita, autosomal recessive 5 (DKCB5). Identifiers: MedGen C3554656, MONDO:0014076, OMIM 615190.

gnomAD v4.1: 1 of 1,612,362 alleles (0.000062%); highest among the groups gnomAD compares: Admixed American, 0.0017%; no homozygotes.

Submission:

Labcorp Genetics (formerly Invitae), Labcorp
Classification: Uncertain significance for Dyskeratosis congenita, autosomal recessive 5; Pulmonary fibrosis and/or bone marrow failure, Telomere-related, 3. Last evaluated: 2025-05-18. Review status: criteria provided, single submitter. Criteria: Invitae Variant Classification Sherloc (09022015). Collection method: clinical testing. Allele origin: germline.
Comment: This sequence change replaces aspartic acid, which is acidic and polar, with histidine, which is basic and polar, at codon 1017 of the RTEL1 protein (p.Asp1017His). This variant is present in population databases (no rsID available, gnomAD 0.003%). This variant has not been reported in the literature in individuals affected with RTEL1-related conditions. ClinVar contains an entry for this variant (Variation ID: 1410857). An algorithm developed to predict the effect of missense changes on protein structure and function (PolyPhen-2) suggests that this variant is likely to be tolerated. In summary, the available evidence is currently insufficient to determine the role of this variant in disease. Therefore, it has been classified as a Variant of Uncertain Significance.